The following is an entry in ClinVar:

NM_000061.3(BTK):c.*116A>C

Gene: BTK (Bruton tyrosine kinase; minus strand). Cytogenetic location: Xq22.1.
Variant type: single nucleotide variant.
Coding change: c.*116A>C on transcript NM_000061.3 (MANE Select); 116 bases downstream of the stop codon, A replaced by C.
Molecular consequence: 3 prime UTR variant.
Genome position (GRCh38, 1-based): chrX:101,349,769, T>G on the plus strand (A>C on the coding strand, the complement: BTK is on the minus strand). VCF-style: chrX-101349769-T-G. GRCh37 (hg19) VCF-style: chrX-100604757-T-G.
Other names: c.*116A>C (NM_001287344.2, NM_001287345.2).
Identifiers: ClinVar variation 367694 (VCV000367694.12), dbSNP rs700, ClinGen allele CA10654228.

ClinVar aggregate classification (germline): Benign. Review status: criteria provided, multiple submitters, no conflicts (2 of 4 stars). 6 submissions from 4 submitters: Benign (6). Last evaluated 2021-07-14.

Conditions:
X-linked agammaglobulinemia (XLA). Also called: Bruton-type agammaglobulinemia; Agammaglobulinemia, Bruton tyrosine kinase; Agammaglobulinemia, BTK; BTK-deficiency; IMMUNODEFICIENCY 1; Bruton's agammaglobulinemia. Identifiers: Orphanet 229717, Orphanet 47, MedGen C0221026, MONDO:0010421, OMIM 300755.
X-linked agammaglobulinemia with growth hormone deficiency (IGHD3). Also called: ISOLATED GROWTH HORMONE DEFICIENCY, TYPE III, WITH AGAMMAGLOBULINEMIA; AGAMMAGLOBULINEMIA AND ISOLATED GROWTH HORMONE DEFICIENCY, X-LINKED; FLEISHER SYNDROME; HYPOGAMMAGLOBULINEMIA AND ISOLATED GROWTH HORMONE DEFICIENCY, X-LINKED; IGHD III; Isolated growth hormone deficiency type 3. Identifiers: Orphanet 231692, Orphanet 631, MedGen C0472813, MONDO:0010615, OMIM 307200.

Allele frequency attached by ClinVar (database versions not stated): 1000 Genomes Project 30x 0.26785; 1000 Genomes Project 0.26887; TOPMed 0.33073; gnomAD 0.35507 and 0.35539; gnomAD exomes 0.43549.
gnomAD v4.1: 257,696 of 611,910 alleles (42%); highest among the groups gnomAD compares: Middle Eastern, 54%; 40,549 homozygotes.

Submissions (6):

Genome-Nilou Lab
Classification: Benign for X-linked agammaglobulinemia. Last evaluated: 2021-07-14. Review status: criteria provided, single submitter. Criteria: ACMG Guidelines, 2015. Collection method: clinical testing. Allele origin: germline. Affected: no.

Genome-Nilou Lab
Classification: Benign for X-linked agammaglobulinemia with growth hormone deficiency. Last evaluated: 2021-07-14. Review status: criteria provided, single submitter. Criteria: ACMG Guidelines, 2015. Collection method: clinical testing. Allele origin: germline. Affected: no.

Illumina Laboratory Services, Illumina
Classification: Benign for X-linked agammaglobulinemia. Last evaluated: 2017-04-27. Review status: criteria provided, single submitter. Criteria: ICSL Variant Classification Criteria 13 December 2019. Collection method: clinical testing. Allele origin: germline.
Comment: This variant was observed as part of a predisposition screen in an ostensibly healthy population. A literature search was performed for the gene, cDNA change, and amino acid change (where applicable). No publications were found based on this search. Allele frequency data from public databases was too high to be consistent with this variant causing disease. Therefore, this variant is classified as benign.

Illumina Laboratory Services, Illumina
Classification: Benign for X-linked agammaglobulinemia with growth hormone deficiency. Last evaluated: 2017-04-27. Review status: criteria provided, single submitter. Criteria: ICSL Variant Classification Criteria 13 December 2019. Collection method: clinical testing. Allele origin: germline.
Comment: the same text as in the submission from Illumina Laboratory Services, Illumina above.

GeneDx
Classification: Benign. Last evaluated: 2015-03-03. Review status: criteria provided, single submitter. Criteria: GeneDx Variant Classification Process June 2021. Collection method: clinical testing. Allele origin: germline. Affected: yes.

Breakthrough Genomics
Classification: Benign. Review status: criteria provided, single submitter. Criteria: ACMG Guidelines, 2015. Collection method: not provided. Allele origin: germline. Inheritance: X-linked inheritance. Affected: yes.